The following is an entry in ClinVar:

ClinVar aggregate classification (germline): Pathogenic (1 of 4 stars; one submission).

Conditions:
Neurodevelopmental disorder with seizures, hypotonia, and brain imaging abnormalities. Identifiers: MedGen C5394517, MONDO:0030063, OMIM 618922.

Submission:

Victorian Clinical Genetics Services, Murdoch Childrens Research Institute
Classification: Pathogenic for Neurodevelopmental disorder with seizures, hypotonia, and brain imaging abnormalities. Last evaluated: 2023-12-21. Review status: criteria provided, single submitter. Criteria: ACMG Guidelines, 2015. Collection method: clinical testing. Allele origin: germline. Inheritance: Autosomal recessive inheritance. Affected: yes.
Comment: Based on the classification scheme VCGS_Germline_v1.3.4, this variant is classified as Pathogenic. Following criteria are met: 0102 - Loss of function is a known mechanism of disease in this gene and is associated with neurodevelopmental disorder with seizures, hypotonia, and brain abnormalities (MIM#618922). (I) 0106 - This gene is associated with autosomal recessive disease. (I) 0201 - Variant is predicted to cause nonsense-mediated decay (NMD) and loss of protein (premature termination codon is located at least 54 nucleotides upstream of the final exon-exon junction). (SP) 0251 - This variant is heterozygous. (I) 0301 - Variant is absent from gnomAD (both v2 and v3). (SP) 0703 - Other NMD-predicted variants comparable to the one identified in this case have moderate previous evidence for pathogenicity. These two variants have been reported as homozygous in individuals with developmental delay, epilepsy, and microcephaly (PMID: 32286009). (SP) 0807 - This variant has no previous evidence of pathogenicity. (I) 0905 - No published segregation evidence has been identified for this variant. (I) 1007 - No published functional evidence has been identified for this variant. (I) 1207 - Parental origin of the variant is unresolved. (I) Legend: (SP) - Supporting pathogenic, (I) - Information, (SB) - Supporting benign

Literature cited by the submitters: PubMed 32286009.

NM_000844.4(GRM7):c.342C>A (p.Tyr114Ter)

Gene: GRM7 (glutamate metabotropic receptor 7; plus strand). Cytogenetic location: 3p26.1.
Variant type: single nucleotide variant.
Coding change: c.342C>A on transcript NM_000844.4 (MANE Select); coding-DNA position 342, C replaced by A.
Protein change: p.Tyr114Ter; replaces tyrosine 114 with a stop codon.
Molecular consequence: nonsense.
Genome position (GRCh38, 1-based): chr3:6,861,730, C>A. VCF-style: chr3-6861730-C-A. GRCh37 (hg19) VCF-style: chr3-6903417-C-A.
Other names: c.342C>A, p.Tyr114Ter (NM_181874.3); short protein forms Y114*.
Identifiers: ClinVar variation 3254966 (VCV003254966.1), dbSNP rs2470186445.